The following is an entry in ClinVar:

NM_000701.8(ATP1A1):c.1422C>T (p.Tyr474=)

Genes: ATP1A1 (ATPase Na+/K+ transporting subunit alpha 1; plus strand), ATP1A1-AS1 (ATP1A1 antisense RNA 1; minus strand). Cytogenetic location: 1p13.1.
Variant type: single nucleotide variant.
Coding change: c.1422C>T on transcript NM_000701.8 (MANE Select); coding-DNA position 1422, C replaced by T.
Protein change: p.Tyr474=; no amino-acid change (tyrosine 474 retained).
Molecular consequence: synonymous variant. On other transcripts: non-coding transcript variant (1).
Genome position (GRCh38, 1-based): chr1:116,392,943, C>T. VCF-style: chr1-116392943-C-T. GRCh37 (hg19) VCF-style: chr1-116935565-C-T.
Other names: c.1422C>T, p.Tyr474= (NM_001160233.2); c.1329C>T, p.Tyr443= (NM_001160234.2); c.1422C>T (NM_000701.7).
Identifiers: ClinVar variation 1636972 (VCV001636972.35), dbSNP rs140751331, ClinGen allele CA1025300.

ClinVar aggregate classification (germline): Benign/Likely benign. Review status: criteria provided, multiple submitters, no conflicts (2 of 4 stars). 5 submissions from 5 submitters: Benign (2); Likely benign (2). 1 of the submissions does not count toward it. Last evaluated 2026-01-19.

Conditions:
ATP1A1-related disorder. Also called: ATP1A1-related condition.

Allele frequency attached by ClinVar (database versions not stated): gnomAD exomes 0.00011 and 0.00027; ExAC 0.00028; gnomAD 0.00067 and 0.00068; TOPMed 0.00087; ESP Exome Variant Server 0.00092; 1000 Genomes Project 0.00160; 1000 Genomes Project 30x 0.00172.

Submissions (5):

Labcorp Genetics (formerly Invitae), Labcorp
Classification: Benign. Last evaluated: 2026-01-19. Review status: criteria provided, single submitter. Criteria: Invitae Variant Classification Sherloc (09022015). Collection method: clinical testing. Allele origin: germline.

CeGaT Center for Human Genetics Tuebingen
Classification: Likely benign. Last evaluated: 2026-01-01. Review status: criteria provided, single submitter. Criteria: CeGaT Center For Human Genetics Tuebingen Variant Classification Criteria Version 2. Collection method: clinical testing. Allele origin: germline. Affected: yes. Observed: 3 variant alleles.
Comment: ATP1A1: BP4, BP7

Blueprint Genetics
Classification: Likely benign. Last evaluated: 2024-08-23. Review status: criteria provided, single submitter. Criteria: ACMG Guidelines, 2015. Collection method: clinical testing. Allele origin: germline.

Breakthrough Genomics
Classification: Benign. Review status: criteria provided, single submitter. Criteria: ACMG Guidelines, 2015. Collection method: not provided. Allele origin: germline. Inheritance: Autosomal dominant inheritance. Affected: yes.

PreventionGenetics, part of Exact Sciences
Classification: Benign for ATP1A1-related condition. Last evaluated: 2021-04-15. Review status: no assertion criteria provided. Collection method: clinical testing. Allele origin: germline. Not counted in ClinVar's aggregate classification.
Comment: This variant is classified as benign based on ACMG/AMP sequence variant interpretation guidelines (Richards et al. 2015 PMID: 25741868, with internal and published modifications).